The following is an entry in ClinVar:

ClinVar aggregate classification (germline): Uncertain significance (1 of 4 stars; one submission).

Submission:

GeneDx
Classification: Uncertain significance. Last evaluated: 2023-07-27. Review status: criteria provided, single submitter. Criteria: GeneDx Variant Classification Process June 2021. Collection method: clinical testing. Allele origin: germline. Affected: yes.
Comment: Not observed at significant frequency in large population cohorts (gnomAD); In silico analysis supports that this missense variant does not alter protein structure/function; Has not been previously published as pathogenic or benign to our knowledge

NM_015100.4(POGZ):c.2136G>T (p.Leu712Phe)

Gene: POGZ (pogo transposable element derived with ZNF domain; minus strand). Cytogenetic location: 1q21.3.
Variant type: single nucleotide variant.
Coding change: c.2136G>T on transcript NM_015100.4 (MANE Select); coding-DNA position 2136, G replaced by T.
Protein change: p.Leu712Phe; replaces leucine 712 with phenylalanine.
Molecular consequence: missense variant.
Genome position (GRCh38, 1-based): chr1:151,408,507, C>A on the plus strand (G>T on the coding strand, the complement: POGZ is on the minus strand). VCF-style: chr1-151408507-C-A. GRCh37 (hg19) VCF-style: chr1-151380983-C-A.
Other names: c.2109G>T, p.Leu703Phe (NM_001194937.2); c.1950G>T, p.Leu650Phe (NM_001194938.2); c.2157G>T, p.Leu719Phe (NM_001410860.1); c.1851G>T, p.Leu617Phe (NM_145796.4); c.1977G>T, p.Leu659Phe (NM_207171.2); short protein forms L617F, L650F, L659F, L703F, L712F, L719F.
Identifiers: ClinVar variation 3361443 (VCV003361443.1).